The following is an entry in ClinVar:

ClinVar aggregate classification (germline): Conflicting classifications of pathogenicity. Review status: criteria provided, conflicting classifications (1 of 4 stars). 3 submissions from 3 submitters: Uncertain significance (1); Likely benign (1). 1 of the submissions does not count toward it. Last evaluated 2023-12-01.

Conditions:
NR4A2-related disorder. Also called: NR4A2-related condition.

Allele frequency attached by ClinVar (database versions not stated): gnomAD 0.00011; TOPMed 0.00012; 1000 Genomes Project 0.00020; gnomAD exomes 0.00024 and 0.00025; 1000 Genomes Project 30x 0.00031; ESP Exome Variant Server 0.00031; ExAC 0.00034.

Submissions (3):

CeGaT Center for Human Genetics Tuebingen
Classification: Likely benign. Last evaluated: 2023-12-01. Review status: criteria provided, single submitter. Criteria: CeGaT Center For Human Genetics Tuebingen Variant Classification Criteria Version 2. Collection method: clinical testing. Allele origin: germline. Affected: yes. Observed: 1 variant allele.
Comment: NR4A2: BS1

Mendelics
Classification: Uncertain significance. Last evaluated: 2022-05-04. Review status: criteria provided, single submitter. Criteria: Mendelics Assertion Criteria 2019. Collection method: clinical testing. Allele origin: germline.

PreventionGenetics, part of Exact Sciences
Classification: Likely benign for NR4A2-related condition. Last evaluated: 2024-02-05. Review status: no assertion criteria provided. Collection method: clinical testing. Allele origin: germline. Not counted in ClinVar's aggregate classification.
Comment: This variant is classified as likely benign based on ACMG/AMP sequence variant interpretation guidelines (Richards et al. 2015 PMID: 25741868, with internal and published modifications).

NM_006186.4(NR4A2):c.289A>G (p.Met97Val)

Gene: NR4A2 (nuclear receptor subfamily 4 group A member 2; minus strand). Cytogenetic location: 2q24.1.
Variant type: single nucleotide variant.
Coding change: c.289A>G on transcript NM_006186.4 (MANE Select); coding-DNA position 289, A replaced by G.
Protein change: p.Met97Val; replaces methionine 97 with valine.
Molecular consequence: missense variant.
Genome position (GRCh38, 1-based): chr2:156,329,898, T>C on the plus strand (A>G on the coding strand, the complement: NR4A2 is on the minus strand). VCF-style: chr2-156329898-T-C. GRCh37 (hg19) VCF-style: chr2-157186410-T-C.
Other names: c.289A>G (NM_006186.3); c.100A>G, p.Met34Val (NM_173173.3); short protein forms M34V, M97V.
Identifiers: ClinVar variation 1684964 (VCV001684964.24), dbSNP rs143618355, ClinGen allele CA1916479.